The following is an entry in ClinVar:

NM_000718.4(CACNA1B):c.214A>C (p.Asn72His)

Genes: CACNA1B (calcium voltage-gated channel subunit alpha1 B; plus strand), CACNA1B-AS2 (CACNA1B antisense RNA 2; minus strand). Cytogenetic location: 9q34.3.
Variant type: single nucleotide variant.
Coding change: c.214A>C on transcript NM_000718.4 (MANE Select); coding-DNA position 214, A replaced by C.
Protein change: p.Asn72His; replaces asparagine 72 with histidine.
Molecular consequence: missense variant.
Genome position (GRCh38, 1-based): chr9:137,878,147, A>C. VCF-style: chr9-137878147-A-C. GRCh37 (hg19) VCF-style: chr9-140772599-A-C.
Other names: c.214A>C, p.Asn72His (NM_001243812.2); short protein forms N72H.
Identifiers: ClinVar variation 4082653 (VCV004082653.1).
Genomic context (GRCh38, chr9:137,878,147, plus strand): 5'-CGCGCGCGGACCATGGCGCTGTACAACCCCATCCCGGTCAAGCAGAACTGCTTCACCGTC[A>C]ACCGCTCGCTCTTCGTCTTCAGCGAGGACAACGTCGTCCGCAAATACGCGAAGCGCATCA-3'
Protein context (NP_000709.1, residues 62-82): IPVKQNCFTV[Asn72His]RSLFVFSEDN

ClinVar aggregate classification (germline): Uncertain significance (1 of 4 stars; one submission).

gnomAD v4.1: 1 of 1,310,104 alleles (0.000076%); highest among the groups gnomAD compares: African/African-American, 0.0015%; no homozygotes.

Submission:

GeneDx
Classification: Uncertain significance. Last evaluated: 2025-03-05. Review status: criteria provided, single submitter. Criteria: GeneDx Variant Classification Process June 2021. Collection method: clinical testing. Allele origin: germline. Affected: yes.
Comment: Not observed at significant frequency in large population cohorts (gnomAD); In silico analysis supports that this missense variant has a deleterious effect on protein structure/function; Has not been previously published as pathogenic or benign to our knowledge